The following is an entry in ClinVar:

NM_001148.6(ANK2):c.10807A>G (p.Ile3603Val)

Gene: ANK2 (ankyrin 2; plus strand). Cytogenetic location: 4q26.
Variant type: single nucleotide variant.
Coding change: c.10807A>G on transcript NM_001148.6 (MANE Select); coding-DNA position 10807, A replaced by G.
Protein change: p.Ile3603Val; replaces isoleucine 3603 with valine.
Molecular consequence: missense variant.
Genome position (GRCh38, 1-based): chr4:113,363,388, A>G. VCF-style: chr4-113363388-A-G. GRCh37 (hg19) VCF-style: chr4-114284544-A-G.
Other names: c.4525A>G, p.Ile1509Val (NM_001127493.3); c.4564A>G, p.Ile1522Val (NM_001354225.2); c.4453A>G, p.Ile1485Val (NM_001354228.2, NM_001354258.2); c.4531A>G, p.Ile1511Val (NM_001354230.2); c.4594A>G, p.Ile1532Val (NM_001354231.2, NM_001354242.2); c.4588A>G, p.Ile1530Val (NM_001354232.2); c.4549A>G, p.Ile1517Val (NM_001354235.2, NM_001354246.2, NM_001354265.2); c.4450A>G, p.Ile1484Val (NM_001354236.2); and 35 more; short protein forms I1509V, I3603V, I1447V, I1511V, I1532V, I1533V, I1544V, I694V.
Identifiers: ClinVar variation 383148 (VCV000383148.6), dbSNP rs1057521529, ClinGen allele CA16604680.

ClinVar aggregate classification (germline): Uncertain significance. Review status: criteria provided, multiple submitters, no conflicts (2 of 4 stars). 3 submissions from 3 submitters: Uncertain significance (3). Last evaluated 2024-08-04.

Conditions:
Long QT syndrome (LQTS). Identifiers: MedGen C0023976, MeSH D008133, MONDO:0002442. Disease mechanism: loss of function. Inheritance: Various modes of inheritance.
Cardiovascular phenotype. Identifiers: MedGen CN230736.

Allele frequency attached by ClinVar (database versions not stated): gnomAD 0.00001; TOPMed 0.00001.
gnomAD v4.1: 23 of 1,613,406 alleles (0.0014%); highest among the groups gnomAD compares: Non-Finnish European, 0.0018%; no homozygotes.

Submissions (3):

Ambry Genetics
Classification: Uncertain significance for Cardiovascular phenotype. Last evaluated: 2024-08-04. Review status: criteria provided, single submitter. Criteria: Ambry Variant Classification Scheme 2023. Collection method: clinical testing. Allele origin: germline.

Labcorp Genetics (formerly Invitae), Labcorp
Classification: Uncertain significance for Long QT syndrome. Last evaluated: 2022-03-19. Review status: criteria provided, single submitter. Criteria: Invitae Variant Classification Sherloc (09022015). Collection method: clinical testing. Allele origin: germline.
Comment: This sequence change replaces isoleucine, which is neutral and non-polar, with valine, which is neutral and non-polar, at codon 3603 of the ANK2 protein (p.Ile3603Val). This variant is present in population databases (no rsID available, gnomAD 0.002%). This variant has not been reported in the literature in individuals affected with ANK2-related conditions. ClinVar contains an entry for this variant (Variation ID: 383148). Algorithms developed to predict the effect of missense changes on protein structure and function output the following: SIFT: "Tolerated"; PolyPhen-2: "Benign"; Align-GVGD: "Class C0". The valine amino acid residue is found in multiple mammalian species, which suggests that this missense change does not adversely affect protein function. In summary, the available evidence is currently insufficient to determine the role of this variant in disease. Therefore, it has been classified as a Variant of Uncertain Significance.

GeneDx
Classification: Uncertain significance. Last evaluated: 2016-12-21. Review status: criteria provided, single submitter. Criteria: GeneDx Variant Classification (06012015). Collection method: clinical testing. Allele origin: germline. Affected: yes.
Comment: A variant of uncertain significance has been identified in the ANK2 gene. The I3603V variant has not been published as a pathogenic variant, nor has it been reported as a benign variant to our knowledge. The I3603V variant was not observed in approximately 6,500 individuals of European and African American ancestry in the NHLBI Exome Sequencing Project, indicating it is not a common benign variant in these populations. However, the I3603V variant is a conservative amino acid substitution, which is not likely to impact secondary protein structure as these residues share similar properties. This substitution occurs at a position that is not conserved across species. In silico analysis predicts this variant likely does not alter the protein structure/function. Finally, no missense variants in nearby residues have been reported in the Human Gene Mutation Database in association with LQTS (Stenson et al., 2014), indicating that this region of the gene is not known to harbor disease-causing variants.